The following is an entry in ClinVar:

ClinVar aggregate classification (germline): Likely benign. Review status: criteria provided, multiple submitters, no conflicts (2 of 4 stars). 2 submissions from 2 submitters: Likely benign (2). Last evaluated 2018-06-26.

Conditions:
APC-Associated Polyposis Disorders.

Allele frequency attached by ClinVar (database versions not stated): gnomAD exomes 0.00032; 1000 Genomes Project 0.00339; gnomAD 0.00339 and 0.00363; 1000 Genomes Project 30x 0.00390; TOPMed 0.00399.
gnomAD v4.1: 729 of 789,550 alleles (0.092%); highest among the groups gnomAD compares: African/African-American, 1.1%; 5 homozygotes.

Submissions (2):

GeneDx
Classification: Likely benign. Last evaluated: 2018-06-26. Review status: criteria provided, single submitter. Criteria: GeneDx Variant Classification Process June 2021. Collection method: clinical testing. Allele origin: germline. Affected: yes.

Illumina Laboratory Services, Illumina
Classification: Likely benign for APC-Associated Polyposis Disorders. Last evaluated: 2018-02-22. Review status: criteria provided, single submitter. Criteria: ICSL Variant Classification Criteria 13 December 2019. Collection method: clinical testing. Allele origin: germline.
Comment: This variant was observed as part of a predisposition screen in an ostensibly healthy population. A literature search was performed for the gene, cDNA change, and amino acid change (where applicable). Publications were found based on this search. The evidence from the literature, in combination with allele frequency data from public databases where available, was sufficient to determine this variant is unlikely to cause disease. Therefore, this variant is classified as likely benign.

Literature cited by the submitters: PubMed 21995669 (cited by Illumina Laboratory Services, Illumina); PubMed 18632633 (cited by Illumina Laboratory Services, Illumina).

NM_000038.6(APC):c.*142C>T

Gene: APC (APC regulator of Wnt signaling pathway; plus strand). Cytogenetic location: 5q22.2.
Variant type: single nucleotide variant.
Coding change: c.*142C>T on transcript NM_000038.6 (MANE Select); 142 bases downstream of the stop codon, C replaced by T.
Molecular consequence: 3 prime UTR variant.
Genome position (GRCh38, 1-based): chr5:112,844,268, C>T. VCF-style: chr5-112844268-C-T. GRCh37 (hg19) VCF-style: chr5-112179965-C-T.
Other names: c.*142C>T (NM_001127510.3, NM_001127511.3, NM_001354895.2 and 11 more transcripts).
Identifiers: ClinVar variation 350426 (VCV000350426.8), dbSNP rs6875894, ClinGen allele CA10622275.